The following is an entry in ClinVar:

NM_002860.4(ALDH18A1):c.1672C>T (p.Arg558Cys)

Gene: ALDH18A1 (aldehyde dehydrogenase 18 family member A1; minus strand). Cytogenetic location: 10q24.1.
Variant type: single nucleotide variant.
Coding change: c.1672C>T on transcript NM_002860.4 (MANE Select); coding-DNA position 1672, C replaced by T.
Protein change: p.Arg558Cys; replaces arginine 558 with cysteine.
Molecular consequence: missense variant.
Genome position (GRCh38, 1-based): chr10:95,614,095, G>A on the plus strand (C>T on the coding strand, the complement: ALDH18A1 is on the minus strand). VCF-style: chr10-95614095-G-A. GRCh37 (hg19) VCF-style: chr10-97373852-G-A.
Other names: c.1666C>T, p.Arg556Cys (NM_001017423.2, NM_001323415.2); c.1339C>T, p.Arg447Cys (NM_001323412.2, NM_001323416.2); c.1672C>T, p.Arg558Cys (NM_001323413.2, NM_001323414.2); c.1567C>T, p.Arg523Cys (NM_001323417.2); c.1333C>T, p.Arg445Cys (NM_001323418.2); c.1036C>T, p.Arg346Cys (NM_001323419.2); short protein forms R346C, R445C, R447C, R523C, R556C, R558C.
Identifiers: ClinVar variation 1328558 (VCV001328558.5), dbSNP rs2139541678, ClinGen allele CA377700767.

ClinVar aggregate classification (germline): Uncertain significance. Review status: criteria provided, multiple submitters, no conflicts (2 of 4 stars). 2 submissions from 2 submitters: Uncertain significance (2). Last evaluated 2025-04-17.

Conditions:
Autosomal dominant spastic paraplegia type 9. Identifiers: MedGen C1832669, MONDO:0015091.
de Barsy syndrome. Also called: Cutis laxa-corneal clouding-oligophrenia syndrome. Identifiers: Orphanet 2962, MedGen C0268354, MONDO:0017569.
Cutis laxa, autosomal dominant 3 (ADCL3). Identifiers: Orphanet 90348, MedGen C4225268, MONDO:0014706, OMIM 616603.
ALDH18A1 deficiency.

Allele frequency attached by ClinVar (database versions not stated): gnomAD exomes below 0.00001.
gnomAD v4.1: 2 of 1,614,172 alleles (0.00012%); highest among the groups gnomAD compares: Non-Finnish European, 0.00017%; no homozygotes.

Submissions (2):

Labcorp Genetics (formerly Invitae), Labcorp
Classification: Uncertain significance for Autosomal dominant spastic paraplegia type 9; de Barsy syndrome; Cutis laxa, autosomal dominant 3. Last evaluated: 2025-04-17. Review status: criteria provided, single submitter. Criteria: Invitae Variant Classification Sherloc (09022015). Collection method: clinical testing. Allele origin: germline.
Comment: This sequence change replaces arginine, which is basic and polar, with cysteine, which is neutral and slightly polar, at codon 558 of the ALDH18A1 protein (p.Arg558Cys). This variant is not present in population databases (gnomAD no frequency). This variant has not been reported in the literature in individuals affected with ALDH18A1-related conditions. ClinVar contains an entry for this variant (Variation ID: 1328558). Invitae Evidence Modeling of protein sequence and biophysical properties (such as structural, functional, and spatial information, amino acid conservation, physicochemical variation, residue mobility, and thermodynamic stability) indicates that this missense variant is expected to disrupt ALDH18A1 protein function with a positive predictive value of 95%. In summary, the available evidence is currently insufficient to determine the role of this variant in disease. Therefore, it has been classified as a Variant of Uncertain Significance.

Illumina Laboratory Services, Illumina
Classification: Uncertain significance for ALDH18A1 deficiency. Last evaluated: 2021-06-04. Review status: criteria provided, single submitter. Criteria: ICSLVariantClassificationCriteria RUGD 01 April 2020. Collection method: clinical testing. Allele origin: unknown.
Comment: The ALDH18A1 c.1672C>T(p.Arg558Cys) variant is a missense variant located within the L-glutamyl-5-phosphate reductase (G5PR) domain of delta-1-pyrroline-5-carboxylate synthase (P5CS). A literature search was performed for the gene, cDNA change, and amino acid change. No publications were found based on this search. This variant is not found in the Genome Aggregation Database (version 2.1.1 or version 3.1.1) in a region of good sequence coverage, so the variant is presumed to be rare. Based on the limited evidence, the p.Arg558Cys variant is classified as a variant of uncertain significance for ALDH18A1 deficiency.